The following is an entry in ClinVar:

NM_003647.3(DGKE):c.1688T>C (p.Ile563Thr)

Gene: DGKE (diacylglycerol kinase epsilon; plus strand). Cytogenetic location: 17q22.
Variant type: single nucleotide variant.
Coding change: c.1688T>C on transcript NM_003647.3 (MANE Select); coding-DNA position 1688, T replaced by C.
Protein change: p.Ile563Thr; replaces isoleucine 563 with threonine.
Molecular consequence: missense variant.
Genome position (GRCh38, 1-based): chr17:56,862,775, T>C. VCF-style: chr17-56862775-T-C. GRCh37 (hg19) VCF-style: chr17-54940136-T-C.
Other names: p.Ile563Thr; short protein forms I563T.
Identifiers: ClinVar variation 1347716 (VCV001347716.7), dbSNP rs767939518, ClinGen allele CA8663878.

ClinVar aggregate classification (germline): Uncertain significance. Review status: criteria provided, multiple submitters, no conflicts (2 of 4 stars). 3 submissions from 3 submitters: Uncertain significance (3). Last evaluated 2021-10-06.

Conditions:
Immunoglobulin-mediated membranoproliferative glomerulonephritis. Also called: NEPHROTIC SYNDROME, TYPE 7, WITH MEMBRANOPROLIFERATIVE GLOMERULONEPHRITIS; Nephrotic syndrome, type 7. Identifiers: Orphanet 329903, MedGen C3554330, MONDO:0014005, OMIM 615008.

Allele frequency attached by ClinVar (database versions not stated): gnomAD exomes 0.00003; TOPMed 0.00003; ExAC 0.00004; gnomAD 0.00003.
gnomAD v4.1: 48 of 1,578,602 alleles (0.003%); highest among the groups gnomAD compares: Middle Eastern, 0.017%; no homozygotes.

Submissions (3):

Fulgent Genetics
Classification: Uncertain significance for Immunoglobulin-mediated membranoproliferative glomerulonephritis. Last evaluated: 2021-10-06. Review status: criteria provided, single submitter. Criteria: ACMG Guidelines, 2015. Collection method: clinical testing. Allele origin: unknown.

Labcorp Genetics (formerly Invitae), Labcorp
Classification: Uncertain significance. Last evaluated: 2021-08-21. Review status: criteria provided, single submitter. Criteria: Invitae Variant Classification Sherloc (09022015). Collection method: clinical testing. Allele origin: germline.
Comment: This sequence change replaces isoleucine with threonine at codon 563 of the DGKE protein (p.Ile563Thr). The isoleucine residue is weakly conserved and there is a moderate physicochemical difference between isoleucine and threonine. This variant is present in population databases (rs767939518, ExAC 0.01%). This variant has not been reported in the literature in individuals affected with DGKE-related conditions. Algorithms developed to predict the effect of missense changes on protein structure and function output the following: SIFT: "Tolerated"; PolyPhen-2: "Benign"; Align-GVGD: "Class C0". The threonine amino acid residue is found in multiple mammalian species, which suggests that this missense change does not adversely affect protein function. In summary, the available evidence is currently insufficient to determine the role of this variant in disease. Therefore, it has been classified as a Variant of Uncertain Significance.

Mayo Clinic Laboratories, Mayo Clinic
Classification: Uncertain significance. Last evaluated: 2021-07-01. Review status: criteria provided, single submitter. Criteria: ACMG Guidelines, 2015. Collection method: clinical testing. Allele origin: germline.